The following is an entry in ClinVar:

NM_005216.4(DDOST):c.-30C>T

Gene: DDOST (dolichyl-diphosphooligosaccharide--protein glycosyltransferase non-catalytic subunit; minus strand). Cytogenetic location: 1p36.12.
Variant type: single nucleotide variant.
Coding change: c.-30C>T on transcript NM_005216.4; 30 bases upstream of the start codon, C replaced by T.
Genome position (GRCh38, 1-based): chr1:20,661,431, G>A on the plus strand (C>T on the coding strand, the complement: DDOST is on the minus strand). VCF-style: chr1-20661431-G-A. GRCh37 (hg19) VCF-style: chr1-20987924-G-A.
Identifiers: ClinVar variation 514809 (VCV000514809.3), dbSNP rs757211533, ClinGen allele CA661421.

ClinVar aggregate classification (germline): Likely benign (1 of 4 stars; one submission).

Allele frequency attached by ClinVar (database versions not stated): TOPMed 0.00002; gnomAD 0.00001; ExAC 0.00007.

Submission:

GeneDx
Classification: Likely benign. Last evaluated: 2018-02-02. Review status: criteria provided, single submitter. Criteria: GeneDx Variant Classification (06012015). Collection method: clinical testing. Allele origin: germline. Affected: yes.
Comment: This variant is considered likely benign or benign based on one or more of the following criteria: it is a conservative change, it occurs at a poorly conserved position in the protein, it is predicted to be benign by multiple in silico algorithms, and/or has population frequency not consistent with disease.